The following is an entry in ClinVar:

ClinVar aggregate classification (germline): Likely pathogenic. Review status: criteria provided, multiple submitters, no conflicts (2 of 4 stars). 3 submissions from 3 submitters: Likely pathogenic (3). Last evaluated 2025-10-20.

Conditions:
Familial cancer of breast. Also called: BREAST CANCER, FAMILIAL; Hereditary breast cancer; hereditary breast carcinoma. Identifiers: Orphanet 227535, MedGen C0346153, MONDO:0016419, OMIM 114480. Disease mechanism: loss of function.
Hereditary cancer-predisposing syndrome. Also called: Hereditary neoplastic syndrome; Neoplastic Syndromes, Hereditary; Tumor predisposition; Hereditary Cancer Syndrome. Identifiers: Orphanet 140162, MedGen C0027672, MeSH D009386, MONDO:0015356.

Allele frequency attached by ClinVar (database versions not stated): TOPMed 0.00001.

Submissions (3):

Ambry Genetics
Classification: Likely pathogenic for Hereditary cancer-predisposing syndrome. Last evaluated: 2025-10-20. Review status: criteria provided, single submitter. Criteria: Ambry Variant Classification Scheme 2023. Collection method: clinical testing. Allele origin: germline.
Comment: The c.496+334A>G intronic variant results from an A to G substitution 334 nucleotides after coding exon 4 in the ATM gene. This nucleotide position is not well conserved in available vertebrate species. In silico splice site analysis predicts that this alteration will result in the creation or strengthening of a novel splice donor site. RNA studies have demonstrated that this alteration results in abnormal splicing in the set of samples tested (Ambry internal data). Based on the majority of available evidence to date, this variant is likely to be pathogenic.

CeGaT Center for Human Genetics Tuebingen
Classification: Likely pathogenic. Last evaluated: 2025-02-01. Review status: criteria provided, single submitter. Criteria: CeGaT Center For Human Genetics Tuebingen Variant Classification Criteria Version 2. Collection method: clinical testing. Allele origin: germline. Affected: yes. Observed: 1 variant allele.
Comment: ATM: PVS1:Strong, PM2

Institute of Medical Genetics and Applied Genomics, University Hospital Tübingen
Classification: Likely pathogenic for Familial cancer of breast. Last evaluated: 2023-12-01. Review status: criteria provided, single submitter. Criteria: ACMG Guidelines, 2015. Collection method: clinical testing. Allele origin: germline. Inheritance: Autosomal dominant inheritance. Affected: yes.

NM_000051.4(ATM):c.496+334A>G

Gene: ATM (ATM serine/threonine kinase; plus strand). Cytogenetic location: 11q22.3.
Variant type: single nucleotide variant.
Coding change: c.496+334A>G on transcript NM_000051.4 (MANE Select); 334 bases into the intron after coding-DNA position 496, A replaced by G.
Molecular consequence: intron variant.
Genome position (GRCh38, 1-based): chr11:108,236,168, A>G. VCF-style: chr11-108236168-A-G. GRCh37 (hg19) VCF-style: chr11-108106895-A-G.
Other names: c.496+334A>G (NM_001351834.2).
Identifiers: ClinVar variation 1744409 (VCV001744409.17), dbSNP rs1227216618, ClinGen allele CA601694525.